The following is an entry in ClinVar:

NM_001267550.2(TTN):c.103894G>A (p.Val34632Met)

Genes: TTN (titin; minus strand), TTN-AS1 (TTN antisense RNA 1; plus strand). Cytogenetic location: 2q31.2.
Variant type: single nucleotide variant.
Coding change: c.103894G>A on transcript NM_001267550.2 (MANE Select); coding-DNA position 103894, G replaced by A.
Protein change: p.Val34632Met; replaces valine 34632 with methionine.
Molecular consequence: missense variant.
Genome position (GRCh38, 1-based): chr2:178,532,721, C>T on the plus strand (G>A on the coding strand, the complement: TTN is on the minus strand). VCF-style: chr2-178532721-C-T. GRCh37 (hg19) VCF-style: chr2-179397448-C-T.
Other names: c.98971G>A, p.Val32991Met (NM_001256850.1); c.76699G>A, p.Val25567Met (NM_003319.4); c.96190G>A, p.Val32064Met (NM_133378.4); c.77074G>A, p.Val25692Met (NM_133432.3); c.77275G>A, p.Val25759Met (NM_133437.4); short protein forms V25567M, V25692M, V25759M, V32064M, V34632M, V32991M.
Identifiers: ClinVar variation 4793171 (VCV004793171.1).

ClinVar aggregate classification (germline): Uncertain significance (1 of 4 stars; one submission).

Conditions:
Autosomal recessive limb-girdle muscular dystrophy type 2J (LGMDR10). Also called: MUSCULAR DYSTROPHY, LIMB-GIRDLE, AUTOSOMAL RECESSIVE 10; Limb-girdle muscular dystrophy, type 2J. Identifiers: Orphanet 140922, MedGen C1837342, MONDO:0012127, OMIM 608807.
Dilated cardiomyopathy 1G (CMD1G). Identifiers: Orphanet 154, MedGen C1858763, MONDO:0011400, OMIM 604145.

Submission:

Labcorp Genetics (formerly Invitae), Labcorp
Classification: Uncertain significance for Dilated cardiomyopathy 1G; Autosomal recessive limb-girdle muscular dystrophy type 2J. Last evaluated: 2025-08-20. Review status: criteria provided, single submitter. Criteria: Invitae Variant Classification Sherloc (09022015). Collection method: clinical testing. Allele origin: germline.
Comment: This sequence change replaces valine, which is neutral and non-polar, with methionine, which is neutral and non-polar, at codon 34632 of the TTN protein (p.Val34632Met). This variant is not present in population databases (gnomAD no frequency). This variant has not been reported in the literature in individuals affected with TTN-related conditions. Experimental studies and prediction algorithms are not available or were not evaluated, and the functional significance of this variant is currently unknown. This variant is located in the M band of TTN (PMID: 25589632). Non-truncating variants in this region may be relevant for neuromuscular disorders, but have not been definitively shown to cause cardiomyopathy (PMID: 23975875). In summary, the available evidence is currently insufficient to determine the role of this variant in disease. Therefore, it has been classified as a Variant of Uncertain Significance.

Literature cited by the submitters: PubMed 25589632; PubMed 23975875.